The following is an entry in ClinVar:

ClinVar aggregate classification (germline): Likely benign. Review status: criteria provided, multiple submitters, no conflicts (2 of 4 stars). 3 submissions from 3 submitters: Likely benign (2). 1 of the submissions does not count toward it. Last evaluated 2018-06-19.

Allele frequency attached by ClinVar (database versions not stated): gnomAD 0.01204 and 0.01265; TOPMed 0.01359; 1000 Genomes Project 0.01637; gnomAD exomes 0.00457 and 0.00178; ExAC 0.00552; ESP Exome Variant Server 0.01322; 1000 Genomes Project 30x 0.01702.
gnomAD v4.1: 4,455 of 1,570,274 alleles (0.28%); highest among the groups gnomAD compares: African/African-American, 4%; 76 homozygotes.

Submissions (3):

GeneDx
Classification: Likely benign. Last evaluated: 2018-06-19. Review status: criteria provided, single submitter. Criteria: GeneDx Variant Classification (06012015). Collection method: clinical testing. Allele origin: germline. Affected: yes.
Comment: This variant is considered likely benign or benign based on one or more of the following criteria: it is a conservative change, it occurs at a poorly conserved position in the protein, it is predicted to be benign by multiple in silico algorithms, and/or has population frequency not consistent with disease.

Breakthrough Genomics
Classification: Likely benign. Review status: criteria provided, single submitter. Criteria: ACMG Guidelines, 2015. Collection method: not provided. Allele origin: germline. Inheritance: Autosomal recessive inheritance. Affected: yes.

ANO5 @LOVD
No classification provided. Review status: no classification provided. Collection method: not provided. Allele origin: unknown. Not counted in ClinVar's aggregate classification.

NM_213599.3(ANO5):c.2521-29G>A

Gene: ANO5 (anoctamin 5; plus strand). Cytogenetic location: 11p14.3.
Variant type: single nucleotide variant.
Coding change: c.2521-29G>A on transcript NM_213599.3 (MANE Select); 29 bases into the intron before coding-DNA position 2521, G replaced by A.
Molecular consequence: intron variant.
Genome position (GRCh38, 1-based): chr11:22,279,515, G>A. VCF-style: chr11-22279515-G-A. GRCh37 (hg19) VCF-style: chr11-22301061-G-A.
Other names: c.2518-29G>A (NM_001142649.2).
Identifiers: ClinVar variation 140558 (VCV000140558.3), dbSNP rs12282177, ClinGen allele CA232795.